The following is an entry in ClinVar:

NM_000094.4(COL7A1):c.4484G>T (p.Gly1495Val)

Gene: COL7A1 (collagen type VII alpha 1 chain; minus strand). Cytogenetic location: 3p21.31.
Variant type: single nucleotide variant.
Coding change: c.4484G>T on transcript NM_000094.4 (MANE Select); coding-DNA position 4484, G replaced by T.
Protein change: p.Gly1495Val; replaces glycine 1495 with valine.
Molecular consequence: missense variant.
Genome position (GRCh38, 1-based): chr3:48,583,047, C>A on the plus strand (G>T on the coding strand, the complement: COL7A1 is on the minus strand). VCF-style: chr3-48583047-C-A. GRCh37 (hg19) VCF-style: chr3-48620480-C-A.
Other names: short protein forms G1495V.
Identifiers: ClinVar variation 1207555 (VCV001207555.7), dbSNP rs1381334911, ClinGen allele CA352690792.

ClinVar aggregate classification (germline): Conflicting classifications of pathogenicity. Review status: criteria provided, conflicting classifications (1 of 4 stars). 3 submissions from 3 submitters: Pathogenic (1); Uncertain significance (2). Last evaluated 2026-07-14.

Conditions:
Recessive dystrophic epidermolysis bullosa (RDEB). Also called: DYSTROPHIC EPIDERMOLYSIS BULLOSA, AUTOSOMAL RECESSIVE; EPIDERMOLYSIS BULLOSA DYSTROPHICA, HALLOPEAU-SIEMENS TYPE; Hallopeau-Siemens Disease; severe generalized recessive dystrophic epidermolysis bullosa; EPIDERMOLYSIS BULLOSA DYSTROPHICA, GENERALIZED SEVERE, AUTOSOMAL RECESSIVE; Recessive DEB (RDEB). Identifiers: Orphanet 79408, Orphanet 79409, MedGen C0079474, MONDO:0009179, OMIM 226600.

Allele frequency attached by ClinVar (database versions not stated): TOPMed below 0.00001; gnomAD exomes 0.00001.
gnomAD v4.1: 3 of 1,613,992 alleles (0.00019%); highest among the groups gnomAD compares: Admixed American, 0.0033%; no homozygotes.

Submissions (3):

Myriad Genetics, Inc.
Classification: Uncertain significance for Recessive dystrophic epidermolysis bullosa. Last evaluated: 2026-07-14. Review status: criteria provided, single submitter. Criteria: Myriad Autosomal Dominant, Autosomal Recessive and X-Linked Classification Criteria (2023). Collection method: clinical testing. Allele origin: unknown.
Comment: NM_000094.3(COL7A1):c.4484G>T(G1495V) is a missense variant classified as a variant of uncertain significance in the context of dystrophic epidermolysis bullosa. G1495V has not been observed in cases with relevant disease. Relevant functional assessments of this variant are not available in the literature. Internal structural analysis of the variant is supportive of pathogenicity. G1495V has been observed in referenced population frequency databases. In summary, there is insufficient evidence to classify NM_000094.3(COL7A1):c.4484G>T(G1495V) as pathogenic or benign. Please note: this variant was assessed in the context of healthy population screening.

Labcorp Genetics (formerly Invitae), Labcorp
Classification: Uncertain significance. Last evaluated: 2025-09-27. Review status: criteria provided, single submitter. Criteria: Invitae Variant Classification Sherloc (09022015). Collection method: clinical testing. Allele origin: germline.
Comment: This sequence change replaces glycine, which is neutral and non-polar, with valine, which is neutral and non-polar, at codon 1495 of the COL7A1 protein (p.Gly1495Val). This variant is present in population databases (no rsID available, gnomAD 0.006%). This variant has not been reported in the literature in individuals affected with COL7A1-related conditions. ClinVar contains an entry for this variant (Variation ID: 1207555). Experimental studies and prediction algorithms are not available or were not evaluated, and the functional significance of this variant is currently unknown. This variant disrupts the triple helix domain of COL7A1. Glycine residues within the Gly-Xaa-Yaa repeats of the triple helix domain are required for the structure and stability of fibrillar collagens (PMID: 7695699, 8218237, 19344236), and variants at these glycine residues in COL7A1 are more frequently observed in individuals with disease than in the general population (PMID: 22058051). However, the clinical significance of this observation remains uncertain since only a limited number of affected individuals have been described to date. In summary, the available evidence is currently insufficient to determine the role of this variant in disease. Therefore, it has been classified as a Variant of Uncertain Significance.

GeneDx
Classification: Pathogenic. Last evaluated: 2020-12-11. Review status: criteria provided, single submitter. Criteria: GeneDx Variant Classification Process June 2021. Collection method: clinical testing. Allele origin: germline. Affected: yes.
Comment: Located in the highly conserved Gly-X-Y repeat of the collagenous domain; Glycine substitution variants in this region of the COLVII protein destabilize the collagen triple helix resulting in skin fragility due to poor anchoring of the basement membrane to the underlying dermis (Pfendner and Lucky, 2018); Not observed at a significant frequency in large population cohorts (Lek et al., 2016); In silico analysis, which includes protein predictors and evolutionary conservation, supports a deleterious effect; Has not been previously published as pathogenic or benign to our knowledge

Literature cited by the submitters: PubMed 7695699 (cited by Labcorp Genetics (formerly Invitae), Labcorp); PubMed 8218237 (cited by Labcorp Genetics (formerly Invitae), Labcorp); PubMed 19344236 (cited by Labcorp Genetics (formerly Invitae), Labcorp); PubMed 22058051 (cited by Labcorp Genetics (formerly Invitae), Labcorp).